The following is an entry in ClinVar:

NM_000392.5(ABCC2):c.2306T>C (p.Ile769Thr)

Gene: ABCC2 (ATP binding cassette subfamily C member 2; plus strand). Cytogenetic location: 10q24.2.
Variant type: single nucleotide variant.
Coding change: c.2306T>C on transcript NM_000392.5 (MANE Select); coding-DNA position 2306, T replaced by C.
Protein change: p.Ile769Thr; replaces isoleucine 769 with threonine.
Molecular consequence: missense variant.
Genome position (GRCh38, 1-based): chr10:99,818,824, T>C. VCF-style: chr10-99818824-T-C. GRCh37 (hg19) VCF-style: chr10-101578581-T-C.
Other names: c.2306T>C, p.Ile769Thr (LRG_1208t1); c.2306T>C (NM_000392.4); short protein forms I769T.
Identifiers: ClinVar variation 595166 (VCV000595166.12), dbSNP rs762655590, ClinGen allele CA5643447.

ClinVar aggregate classification (germline): Uncertain significance. Review status: criteria provided, multiple submitters, no conflicts (2 of 4 stars). 4 submissions from 4 submitters: Uncertain significance (3). 1 of the submissions does not count toward it. Last evaluated 2026-07-07.

Conditions:
ABCC2-related disorder. Also called: ABCC2-related condition.

Allele frequency attached by ClinVar (database versions not stated): gnomAD exomes below 0.00001 and 0.00003; ExAC 0.00001; TOPMed 0.00002.
gnomAD v4.1: 49 of 1,614,208 alleles (0.003%); highest among the groups gnomAD compares: Non-Finnish European, 0.0042%; no homozygotes.

Submissions (4):

GeneDx
Classification: Uncertain significance. Last evaluated: 2026-07-07. Review status: criteria provided, single submitter. Criteria: GeneDx Variant Classification Process June 2021. Collection method: clinical testing. Allele origin: germline.
Comment: Not observed at significant frequency in large population cohorts (gnomAD); In silico analysis supports that this missense variant has a deleterious effect on protein structure/function; Has not been previously published as pathogenic or benign to our knowledge

Labcorp Genetics (formerly Invitae), Labcorp
Classification: Uncertain significance. Last evaluated: 2023-11-07. Review status: criteria provided, single submitter. Criteria: Invitae Variant Classification Sherloc (09022015). Collection method: clinical testing. Allele origin: germline.
Comment: This sequence change replaces isoleucine, which is neutral and non-polar, with threonine, which is neutral and polar, at codon 769 of the ABCC2 protein (p.Ile769Thr). This variant is not present in population databases (gnomAD no frequency). This variant has not been reported in the literature in individuals affected with ABCC2-related conditions. ClinVar contains an entry for this variant (Variation ID: 595166). Advanced modeling of protein sequence and biophysical properties (such as structural, functional, and spatial information, amino acid conservation, physicochemical variation, residue mobility, and thermodynamic stability) performed at Invitae indicates that this missense variant is not expected to disrupt ABCC2 protein function with a negative predictive value of 80%. In summary, the available evidence is currently insufficient to determine the role of this variant in disease. Therefore, it has been classified as a Variant of Uncertain Significance.

Eurofins Ntd Llc (ga)
Classification: Uncertain significance. Last evaluated: 2017-11-27. Review status: criteria provided, single submitter. Criteria: EGL Classification Definitions 2015. Collection method: clinical testing. Allele origin: germline. Observed: 1 variant allele, 1 heterozygote.

PreventionGenetics, part of Exact Sciences
Classification: Uncertain significance for ABCC2-related condition. Last evaluated: 2024-06-27. Review status: no assertion criteria provided. Collection method: clinical testing. Allele origin: germline. Not counted in ClinVar's aggregate classification.
Comment: The ABCC2 c.2306T>C variant is predicted to result in the amino acid substitution p.Ile769Thr. To our knowledge, this variant has not been reported in the literature. This variant is reported in 0.00088% of alleles in individuals of European (Non-Finnish) descent in gnomAD. At this time, the clinical significance of this variant is uncertain due to the absence of conclusive functional and genetic evidence.